The following is an entry in ClinVar:

NM_001199267.2(DGKZ):c.1979A>G (p.His660Arg)

Gene: DGKZ (diacylglycerol kinase zeta; plus strand). Cytogenetic location: 11p11.2.
Variant type: single nucleotide variant.
Coding change: c.1979A>G on transcript NM_001199267.2 (MANE Select); coding-DNA position 1979, A replaced by G.
Protein change: p.His660Arg; replaces histidine 660 with arginine.
Molecular consequence: missense variant.
Genome position (GRCh38, 1-based): chr11:46,375,922, A>G. VCF-style: chr11-46375922-A-G. GRCh37 (hg19) VCF-style: chr11-46397472-A-G.
Other names: c.2546A>G, p.His849Arg (NM_001105540.2); c.1982A>G, p.His661Arg (NM_001199266.2, NM_003646.4); c.1913A>G, p.His638Arg (NM_001199268.2); c.2030A>G, p.His677Arg (NM_201532.3); c.1994A>G, p.His665Arg (NM_201533.3); short protein forms H638R, H660R, H661R, H665R, H677R, H849R.
Identifiers: ClinVar variation 1715996 (VCV001715996.5), dbSNP rs1185757618, ClinGen allele CA380225069.

ClinVar aggregate classification (germline): Uncertain significance (1 of 4 stars; one submission).

gnomAD v4.1: 1 of 1,603,076 alleles (0.000062%); highest among the groups gnomAD compares: Non-Finnish European, 0.000085%; no homozygotes.

Submission:

Labcorp Genetics (formerly Invitae), Labcorp
Classification: Uncertain significance. Last evaluated: 2022-09-04. Review status: criteria provided, single submitter. Criteria: Invitae Variant Classification Sherloc (09022015). Collection method: clinical testing. Allele origin: germline.
Comment: Algorithms developed to predict the effect of missense changes on protein structure and function are either unavailable or do not agree on the potential impact of this missense change (SIFT: "Tolerated"; PolyPhen-2: "Possibly Damaging"; Align-GVGD: "Class C0"). In summary, the available evidence is currently insufficient to determine the role of this variant in disease. Therefore, it has been classified as a Variant of Uncertain Significance. This variant has not been reported in the literature in individuals affected with DGKZ-related conditions. This variant is not present in population databases (gnomAD no frequency). This sequence change replaces histidine, which is basic and polar, with arginine, which is basic and polar, at codon 849 of the DGKZ protein (p.His849Arg).